The following is an entry in ClinVar:

ClinVar aggregate classification (germline): Benign/Likely benign. Review status: criteria provided, multiple submitters, no conflicts (2 of 4 stars). 14 submissions from 13 submitters: Benign (3); Likely benign (9). 2 of the submissions do not count toward it. Last evaluated 2026-01-27.

Conditions:
USH2A-related disorder. Also called: USH2A-related condition; USH2A-related disorders. Identifiers: MedGen CN239332.
Retinitis pigmentosa 39 (RP39). Identifiers: Orphanet 791, MedGen C3151138, MONDO:0013436, OMIM 613809.
Usher syndrome type 2A. Also called: USHER SYNDROME, TYPE IIA; RETINAL DISEASE IN USHER SYNDROME TYPE IIA, MODIFIER OF. Identifiers: Orphanet 231178, Orphanet 886, MedGen C1848634, MONDO:0010169, OMIM 276901.

Allele frequency attached by ClinVar (database versions not stated): gnomAD exomes 0.00015 and 0.00044; ExAC 0.00058; 1000 Genomes Project 0.00160; 1000 Genomes Project 30x 0.00172; gnomAD 0.00188 and 0.00203; ESP Exome Variant Server 0.00200; TOPMed 0.00202.
gnomAD v4.1: 504 of 1,613,916 alleles (0.031%); highest among the groups gnomAD compares: African/African-American, 0.61%; 1 homozygote.

Submissions (14):

Labcorp Genetics (formerly Invitae), Labcorp
Classification: Benign. Last evaluated: 2026-01-27. Review status: criteria provided, single submitter. Criteria: Invitae Variant Classification Sherloc (09022015). Collection method: clinical testing. Allele origin: germline.

CeGaT Center for Human Genetics Tuebingen
Classification: Likely benign. Last evaluated: 2025-01-01. Review status: criteria provided, single submitter. Criteria: CeGaT Center For Human Genetics Tuebingen Variant Classification Criteria Version 2. Collection method: clinical testing. Allele origin: germline. Affected: yes. Observed: 1 variant allele.
Comment: USH2A: BP4

Blueprint Genetics
Classification: Likely benign. Last evaluated: 2024-07-24. Review status: criteria provided, single submitter. Criteria: ACMG Guidelines, 2015. Collection method: clinical testing. Allele origin: germline.

Women's Health and Genetics/Laboratory Corporation of America, LabCorp
Classification: Likely benign. Last evaluated: 2024-03-06. Review status: criteria provided, single submitter. Criteria: LabCorp Variant Classification Summary - May 2015. Collection method: clinical testing. Allele origin: germline.
Comment: Variant summary: USH2A c.5932C>T (p.Pro1978Ser) results in a non-conservative amino acid change located in the Fibronectin type III (IPR003961) of the encoded protein sequence. Four of five in-silico tools predict a damaging effect of the variant on protein function. The variant allele was found at a frequency of 0.00031 in 1613916 control chromosomes in the gnomAD database (v4.0.0), including 1 homozygotes. This frequency is not significantly higher than estimated for a pathogenic variant in USH2A causing Usher Syndrome (0.00031 vs 0.011). One study utilizing ethnic-specific differences in minor allele frequency to recategorize reported pathogenic deafness variants has classified this variant as benign (Shearer_2014). The following publication have been ascertained in the context of this evaluation (PMID: 25262649). ClinVar contains an entry for this variant (Variation ID: 178652). Based on the evidence outlined above, the variant was classified as likely benign.

Genome-Nilou Lab
Classification: Likely benign for Retinitis pigmentosa 39. Last evaluated: 2023-11-04. Review status: criteria provided, single submitter. Criteria: ACMG Guidelines, 2015. Collection method: clinical testing. Allele origin: germline. Affected: no.

Genome-Nilou Lab
Classification: Likely benign for Usher syndrome type 2A. Last evaluated: 2023-11-04. Review status: criteria provided, single submitter. Criteria: ACMG Guidelines, 2015. Collection method: clinical testing. Allele origin: germline. Affected: no.

GeneDx
Classification: Likely benign. Last evaluated: 2020-12-28. Review status: criteria provided, single submitter. Criteria: GeneDx Variant Classification Process June 2021. Collection method: clinical testing. Allele origin: germline. Affected: yes.
Comment: This variant is associated with the following publications: (PMID: 25262649, 20507924)

Athena Diagnostics
Classification: Likely benign. Last evaluated: 2019-02-11. Review status: criteria provided, single submitter. Criteria: Athena Diagnostics Criteria. Collection method: clinical testing. Allele origin: germline.

ARUP Laboratories, Molecular Genetics and Genomics, ARUP Laboratories
Classification: Benign. Last evaluated: 2018-09-14. Review status: criteria provided, single submitter. Criteria: ARUP Molecular Germline Variant Investigation Process. Collection method: clinical testing. Allele origin: germline.

Eurofins Ntd Llc (ga)
Classification: Likely benign. Last evaluated: 2016-05-03. Review status: criteria provided, single submitter. Criteria: EGL Classification Definitions 2015. Collection method: clinical testing. Allele origin: germline. Observed: 1 variant allele, 1 heterozygote.

Laboratory for Molecular Medicine, Mass General Brigham Personalized Medicine
Classification: Benign. Last evaluated: 2012-05-07. Review status: criteria provided, single submitter. Criteria: LMM Criteria. Collection method: clinical testing. Allele origin: germline. Observed: 4 variant alleles.
Comment: Pro1978Ser in Exon 30 of USH2A: This variant is not expected to have clinical si gnificance because it has been identified in 0.5% (20/3738) of African American chromosomes from a broad population by the NHLBI Exome Sequencing Project (dbSNP rs75698489).

Breakthrough Genomics
Classification: Likely benign. Review status: criteria provided, single submitter. Criteria: ACMG Guidelines, 2015. Collection method: not provided. Allele origin: germline. Inheritance: Autosomal recessive inheritance. Affected: yes.

PreventionGenetics, part of Exact Sciences
Classification: Likely benign for USH2A-related condition. Last evaluated: 2020-10-02. Review status: no assertion criteria provided. Collection method: clinical testing. Allele origin: germline. Not counted in ClinVar's aggregate classification.
Comment: This variant is classified as likely benign based on ACMG/AMP sequence variant interpretation guidelines (Richards et al. 2015 PMID: 25741868, with internal and published modifications).

Natera, Inc.
Classification: Likely benign for Usher syndrome type 2A. Last evaluated: 2020-01-08. Review status: no assertion criteria provided. Collection method: clinical testing. Allele origin: germline. Not counted in ClinVar's aggregate classification.

Literature cited by the submitters: PubMed 25262649 (cited by 3 submitters); PubMed 20507924 (cited by Athena Diagnostics); PubMed 18723146 (cited by Athena Diagnostics).

NM_206933.4(USH2A):c.5932C>T (p.Pro1978Ser)

Gene: USH2A (usherin; minus strand). Cytogenetic location: 1q41.
Variant type: single nucleotide variant.
Coding change: c.5932C>T on transcript NM_206933.4 (MANE Select); coding-DNA position 5932, C replaced by T.
Protein change: p.Pro1978Ser; replaces proline 1978 with serine.
Molecular consequence: missense variant.
Genome position (GRCh38, 1-based): chr1:216,070,218, G>A on the plus strand (C>T on the coding strand, the complement: USH2A is on the minus strand). VCF-style: chr1-216070218-G-A. GRCh37 (hg19) VCF-style: chr1-216243560-G-A.
Other names: short protein forms P1978S.
Identifiers: ClinVar variation 178652 (VCV000178652.50), dbSNP rs75698489, ClinGen allele CA182740.
Genomic context (GRCh38, chr1:216,070,218, plus strand): 5'-GGGTGCTGTCCTCACTATAGGCTTTCAGAATGTACTTCTCAATTACACCTCTGACAACAG[G>A]TTCATCCCAGGTCACCTCAATGCTGTATCCATTTAAGCTGCGGACTCTTGAGGGAGTTGG-3'
Protein context (NP_996816.3, residues 1968-1988): GYSIEVTWDE[Pro1978Ser]VVRGVIEKYI